The following is an entry in ClinVar:

NM_001370259.2(MEN1):c.473C>T (p.Ala158Val)

Gene: MEN1 (menin 1; minus strand). Cytogenetic location: 11q13.1.
Variant type: single nucleotide variant.
Coding change: c.473C>T on transcript NM_001370259.2 (MANE Select); coding-DNA position 473, C replaced by T.
Protein change: p.Ala158Val; replaces alanine 158 with valine.
Molecular consequence: missense variant.
Genome position (GRCh38, 1-based): chr11:64,808,072, G>A on the plus strand (C>T on the coding strand, the complement: MEN1 is on the minus strand). VCF-style: chr11-64808072-G-A. GRCh37 (hg19) VCF-style: chr11-64575544-G-A.
Other names: c.488C>T, p.Ala163Val (NM_000244.4, NM_130800.3, NM_130801.3 and 3 more transcripts); c.473C>T, p.Ala158Val (NM_001370251.2, NM_001370260.2, NM_001370261.2 and 3 more transcripts); short protein forms A158V, A163V.
Identifiers: ClinVar variation 575358 (VCV000575358.13), dbSNP rs794728617, ClinGen allele CA223915838.

ClinVar aggregate classification (germline): Uncertain significance. Review status: criteria provided, multiple submitters, no conflicts (2 of 4 stars). 3 submissions from 3 submitters: Uncertain significance (3). Last evaluated 2025-07-15.

Conditions:
Multiple endocrine neoplasia, type 1 (MEN1). Also called: MEN I; WERMER SYNDROME; Endocrine adenomatosis multiple; MEN 1; MEA I. Identifiers: Orphanet 652, MedGen C0025267, MeSH D018761, MONDO:0007540, OMIM 131100.
Hereditary cancer-predisposing syndrome. Also called: Hereditary neoplastic syndrome; Tumor predisposition; Hereditary Cancer Syndrome; Neoplastic Syndromes, Hereditary. Identifiers: Orphanet 140162, MedGen C0027672, MeSH D009386, MONDO:0015356.

Allele frequency attached by ClinVar (database versions not stated): gnomAD exomes below 0.00001; gnomAD 0.00001.

Submissions (3):

Labcorp Genetics (formerly Invitae), Labcorp
Classification: Uncertain significance for Multiple endocrine neoplasia, type 1. Last evaluated: 2025-07-15. Review status: criteria provided, single submitter. Criteria: Invitae Variant Classification Sherloc (09022015). Collection method: clinical testing. Allele origin: germline.
Comment: This sequence change replaces alanine, which is neutral and non-polar, with valine, which is neutral and non-polar, at codon 158 of the MEN1 protein (p.Ala158Val). This variant is not present in population databases (gnomAD no frequency). This variant has not been reported in the literature in individuals affected with MEN1-related conditions. ClinVar contains an entry for this variant (Variation ID: 575358). Invitae Evidence Modeling of protein sequence and biophysical properties (such as structural, functional, and spatial information, amino acid conservation, physicochemical variation, residue mobility, and thermodynamic stability) indicates that this missense variant is expected to disrupt MEN1 protein function with a positive predictive value of 95%. In summary, the available evidence is currently insufficient to determine the role of this variant in disease. Therefore, it has been classified as a Variant of Uncertain Significance.

Ambry Genetics
Classification: Uncertain significance for Hereditary cancer-predisposing syndrome. Last evaluated: 2024-04-08. Review status: criteria provided, single submitter. Criteria: Ambry Variant Classification Scheme 2023. Collection method: clinical testing. Allele origin: germline.
Comment: The p.A158V variant (also known as c.473C>T), located in coding exon 2 of the MEN1 gene, results from a C to T substitution at nucleotide position 473. The alanine at codon 158 is replaced by valine, an amino acid with similar properties. This amino acid position is highly conserved in available vertebrate species. In addition, this alteration is predicted to be deleterious by in silico analysis. Based on the available evidence, the clinical significance of this variant remains unclear.

Color Diagnostics, LLC DBA Color Health
Classification: Uncertain significance for Multiple endocrine neoplasia, type 1. Last evaluated: 2024-03-06. Review status: criteria provided, single submitter. Criteria: ACMG Guidelines, 2015. Collection method: clinical testing. Allele origin: germline.
Comment: This missense variant replaces alanine with valine at codon 158 of the MEN1 protein. Computational prediction suggests that this variant may have deleterious impact on protein structure and function. To our knowledge, functional studies have not been reported for this variant. This variant has not been reported in individuals affected with MEN1-related disorders in the literature. This variant has not been identified in the general population by the Genome Aggregation Database (gnomAD). The available evidence is insufficient to determine the role of this variant in disease conclusively. Therefore, this variant is classified as a Variant of Uncertain Significance.